The following is an entry in ClinVar:

ClinVar aggregate classification (germline): Likely benign (1 of 4 stars; one submission).

Submission:

CeGaT Center for Human Genetics Tuebingen
Classification: Likely benign. Last evaluated: 2024-01-01. Review status: criteria provided, single submitter. Criteria: CeGaT Center For Human Genetics Tuebingen Variant Classification Criteria Version 2. Collection method: clinical testing. Allele origin: germline. Affected: yes. Observed: 1 variant allele.
Comment: PURA: PM2:Supporting, BP4, BP7

NM_005859.5(PURA):c.930C>G (p.Thr310=)

Gene: PURA (purine rich element binding protein A; plus strand). Cytogenetic location: 5q31.3.
Variant type: single nucleotide variant.
Coding change: c.930C>G on transcript NM_005859.5 (MANE Select); coding-DNA position 930, C replaced by G.
Protein change: p.Thr310=; no amino-acid change (threonine 310 retained).
Molecular consequence: synonymous variant.
Genome position (GRCh38, 1-based): chr5:140,115,111, C>G. VCF-style: chr5-140115111-C-G. GRCh37 (hg19) VCF-style: chr5-139494696-C-G.
Identifiers: ClinVar variation 3025969 (VCV003025969.22), dbSNP rs1203096538, ClinGen allele CA446831201.